The following is an entry in ClinVar:

ClinVar aggregate classification (germline): Pathogenic. Review status: criteria provided, multiple submitters, no conflicts (2 of 4 stars). 2 submissions from 2 submitters: Pathogenic (2). Last evaluated 2025-08-15.

Conditions:
Neurofibromatosis, type 1 (NF1). Also called: Neurofibromatosis, type I; NEUROFIBROMATOSIS, TYPE I, SOMATIC; Peripheral type neurofibromatosis; VON RECKLINGHAUSEN DISEASE. Identifiers: Orphanet 636, MedGen C0027831, MONDO:0018975, OMIM 162200. Disease mechanism: loss of function.

Submissions (2):

Labcorp Genetics (formerly Invitae), Labcorp
Classification: Pathogenic for Neurofibromatosis, type 1. Last evaluated: 2025-08-15. Review status: criteria provided, single submitter. Criteria: Invitae Variant Classification Sherloc (09022015). Collection method: clinical testing. Allele origin: germline.
Comment: This sequence change creates a premature translational stop signal (p.Gly1190Alafs*25) in the NF1 gene. It is expected to result in an absent or disrupted protein product. Loss-of-function variants in NF1 are known to be pathogenic (PMID: 10712197, 23913538). This variant is not present in population databases (gnomAD no frequency). This premature translational stop signal has been observed in individual(s) with neurofibromatosis type 1 (PMID: 23913538). ClinVar contains an entry for this variant (Variation ID: 404456). Algorithms developed to predict the effect of sequence changes on RNA splicing suggest that this variant may create or strengthen a splice site. For these reasons, this variant has been classified as Pathogenic.

Institute of Medical Genetics and Applied Genomics, University Hospital Tübingen
Classification: Pathogenic for Neurofibromatosis, type 1. Last evaluated: 2023-11-08. Review status: criteria provided, single submitter. Criteria: ACMG Guidelines, 2015. Collection method: clinical testing. Allele origin: germline. Inheritance: Autosomal dominant inheritance. Affected: yes.

Literature cited by the submitters: PubMed 10712197 (cited by Labcorp Genetics (formerly Invitae), Labcorp); PubMed 23913538 (cited by Labcorp Genetics (formerly Invitae), Labcorp).

NM_001042492.3(NF1):c.3567del (p.Gly1190fs)

Gene: NF1 (neurofibromin 1; plus strand). Cytogenetic location: 17q11.2.
Variant type: Deletion.
Coding change: c.3567del on transcript NM_001042492.3 (MANE Select); coding-DNA position 3567, one base deleted (A; older notation c.3567delA).
Protein change: p.Gly1190fs; shifts the reading frame from glycine 1190.
Molecular consequence: frameshift variant.
Genome position (GRCh38, 1-based): chr17:31,233,072, A deleted; the last of 2 consecutive A bases (chr17:31,233,071-31,233,072); deleting either gives the same sequence. VCF-style (leftmost placement, unchanged base first): chr17-31233070-CA-C. GRCh37 (hg19) VCF-style: chr17-29560088-CA-C.
Other names: c.3567delA (NM_000267.3); c.3567delA, p.Gly1190Alafs (NM_000267.4); short protein forms G1190fs.
Identifiers: ClinVar variation 404456 (VCV000404456.5), dbSNP rs1060500271, ClinGen allele CA16615494.
Genomic context (GRCh38, chr17:31,233,070, plus strand): 5'-TACCACAAGGATCTCCAGACAAGAGCTACATTTATGGAAGTTCTGACAAAAATCCTTCAA[CA>C]AGGCACAGAATTTGACACACTTGCAGAAACAGTATTGGCTGATCGGTTTGAGAGATTGGT-3'